The following is an entry in ClinVar:

ClinVar aggregate classification (germline): Uncertain significance (1 of 4 stars; one submission).

Conditions:
Rienhoff syndrome. Also called: LOEYS-DIETZ SYNDROME 5. Identifiers: MedGen C3810012, MONDO:0014262, OMIM 615582.

Submission:

Labcorp Genetics (formerly Invitae), Labcorp
Classification: Uncertain significance for Rienhoff syndrome. Last evaluated: 2021-06-13. Review status: criteria provided, single submitter. Criteria: Invitae Variant Classification Sherloc (09022015). Collection method: clinical testing. Allele origin: germline.
Comment: This sequence change replaces threonine with alanine at codon 395 of the TGFB3 protein (p.Thr395Ala). The threonine residue is moderately conserved and there is a small physicochemical difference between threonine and alanine. This variant is not present in population databases (ExAC no frequency). This variant has not been reported in the literature in individuals with TGFB3-related conditions. Algorithms developed to predict the effect of missense changes on protein structure and function (SIFT, PolyPhen-2, Align-GVGD) all suggest that this variant is likely to be tolerated, but these predictions have not been confirmed by published functional studies and their clinical significance is uncertain. In summary, the available evidence is currently insufficient to determine the role of this variant in disease. Therefore, it has been classified as a Variant of Uncertain Significance.

NM_003239.5(TGFB3):c.1183A>G (p.Thr395Ala)

Gene: TGFB3 (transforming growth factor beta 3; minus strand). Cytogenetic location: 14q24.3.
Variant type: single nucleotide variant.
Coding change: c.1183A>G on transcript NM_003239.5 (MANE Select); coding-DNA position 1183, A replaced by G.
Protein change: p.Thr395Ala; replaces threonine 395 with alanine.
Molecular consequence: missense variant.
Genome position (GRCh38, 1-based): chr14:75,959,243, T>C on the plus strand (A>G on the coding strand, the complement: TGFB3 is on the minus strand). VCF-style: chr14-75959243-T-C. GRCh37 (hg19) VCF-style: chr14-76425586-T-C.
Other names: c.1183A>G, p.Thr395Ala (NM_001329939.2); short protein forms T395A.
Identifiers: ClinVar variation 1483314 (VCV001483314.8), dbSNP rs1566677868, ClinGen allele CA390466858.